The following is an entry in ClinVar:

NM_013254.4(TBK1):c.1179A>G (p.Ile393Met)

Gene: TBK1 (TANK binding kinase 1; plus strand). Cytogenetic location: 12q14.2.
Variant type: single nucleotide variant.
Coding change: c.1179A>G on transcript NM_013254.4 (MANE Select); coding-DNA position 1179, A replaced by G.
Protein change: p.Ile393Met; replaces isoleucine 393 with methionine.
Molecular consequence: missense variant.
Genome position (GRCh38, 1-based): chr12:64,484,489, A>G. VCF-style: chr12-64484489-A-G. GRCh37 (hg19) VCF-style: chr12-64878269-A-G.
Other names: short protein forms I393M.
Identifiers: ClinVar variation 964860 (VCV000964860.10), dbSNP rs755520364, ClinGen allele CA6668984.

ClinVar aggregate classification (germline): Uncertain significance. Review status: criteria provided, multiple submitters, no conflicts (2 of 4 stars). 3 submissions from 3 submitters: Uncertain significance (3). Last evaluated 2026-01-12.

Conditions:
TBK1-related disorder. Also called: TBK1-related condition.
Frontotemporal dementia and/or amyotrophic lateral sclerosis 4. Also called: FTDALS4. Identifiers: Orphanet 275872, MedGen C4225325, MONDO:0014641, OMIM 616439.

Allele frequency attached by ClinVar (database versions not stated): TOPMed 0.00003; gnomAD exomes 0.00004 and 0.00005; ExAC 0.00006; gnomAD 0.00007.
gnomAD v4.1: 83 of 1,593,946 alleles (0.0052%); highest among the groups gnomAD compares: Middle Eastern, 0.017%; no homozygotes.

Submissions (4):

Labcorp Genetics (formerly Invitae), Labcorp
Classification: Uncertain significance for Frontotemporal dementia and/or amyotrophic lateral sclerosis 4. Last evaluated: 2026-01-12. Review status: criteria provided, single submitter. Criteria: Invitae Variant Classification Sherloc (09022015). Collection method: clinical testing. Allele origin: germline.
Comment: This sequence change replaces isoleucine, which is neutral and non-polar, with methionine, which is neutral and non-polar, at codon 393 of the TBK1 protein (p.Ile393Met). This variant is present in population databases (rs755520364, gnomAD 0.01%). This missense change has been observed in individual(s) with frontotemporal dementia (PMID: 28008748). ClinVar contains an entry for this variant (Variation ID: 964860). Invitae Evidence Modeling of protein sequence and biophysical properties (such as structural, functional, and spatial information, amino acid conservation, physicochemical variation, residue mobility, and thermodynamic stability) indicates that this missense variant is not expected to disrupt TBK1 protein function with a negative predictive value of 95%. In summary, the available evidence is currently insufficient to determine the role of this variant in disease. Therefore, it has been classified as a Variant of Uncertain Significance.

PreventionGenetics, part of Exact Sciences
Classification: Uncertain significance for TBK1-related condition. Last evaluated: 2025-08-05. Review status: criteria provided, single submitter. Criteria: ACMG Guidelines, 2015. Collection method: clinical testing. Allele origin: germline.
Comment: The TBK1 c.1179A>G variant is predicted to result in the amino acid substitution p.Ile393Met. This variant has been reported in one individual with frontotemporal dementia (FTD, Table 3, van der Zee et al. 2016. PubMed ID: 28008748). This variant is reported in 0.012% of alleles in individuals of African descent in gnomAD, which is more common than other known or suspected pathogenic variants in TBK1. Although we suspect this variant may be benign, at this time, the clinical significance of this variant is uncertain due to the absence of conclusive functional and genetic evidence.

Breakthrough Genomics
Classification: Uncertain significance. Review status: criteria provided, single submitter. Criteria: ACMG Guidelines, 2015. Collection method: not provided. Allele origin: germline. Inheritance: Autosomal dominant inheritance. Affected: yes.

Dr. Peter K. Rogan Lab, Western University
No classification provided (evidence only). Condition: Gastric cancer. Review status: no classification provided. Collection method: in vitro. Allele origin: not applicable. Functional consequence: retained intron. Not counted in ClinVar's aggregate classification.

Literature cited by the submitters: PubMed 28008748 (cited by Labcorp Genetics (formerly Invitae), Labcorp).